The following is an entry in ClinVar:

ClinVar aggregate classification (germline): Uncertain significance. Review status: criteria provided, multiple submitters, no conflicts (2 of 4 stars). 5 submissions from 5 submitters: Uncertain significance (5). Last evaluated 2026-04-06.

Conditions:
NRL-related disorder. Also called: NRL-related condition.

Allele frequency attached by ClinVar (database versions not stated): gnomAD 0.00001; TOPMed 0.00002.
gnomAD v4.1: 6 of 1,458,898 alleles (0.00041%); highest among the groups gnomAD compares: African/African-American, 0.0029%; no homozygotes.

Submissions (5):

PreventionGenetics, part of Exact Sciences
Classification: Uncertain significance for NRL-related condition. Last evaluated: 2026-04-06. Review status: criteria provided, single submitter. Criteria: ACMG Guidelines, 2015. Collection method: clinical testing. Allele origin: germline.
Comment: The NRL c.597C>G variant is predicted to result in the amino acid substitution p.Asp199Glu. To our knowledge, this variant has not been reported in the literature or in a large population database (gnomAD), indicating this variant is rare. At this time, the clinical significance of this variant is uncertain due to the absence of conclusive functional and genetic evidence.

Dasa
Classification: Uncertain significance. Last evaluated: 2026-03-14. Review status: criteria provided, single submitter. Criteria: DASA Assertion Criteria. Collection method: clinical testing. Allele origin: germline.
Comment: NM_001354768.3(NRL):c.597C>G (p.Asp199Glu) is a missense variant that results in the substitution of aspartic acid with glutamic acid. This variant is rare in population databases. The currently available literature and clinical evidence are not sufficient to establish a definitive association between this variant and the reported condition. Therefore, this variant is classified as a variant of uncertain significance.

Labcorp Genetics (formerly Invitae), Labcorp
Classification: Uncertain significance. Last evaluated: 2023-06-16. Review status: criteria provided, single submitter. Criteria: Invitae Variant Classification Sherloc (09022015). Collection method: clinical testing. Allele origin: germline.
Comment: ClinVar contains an entry for this variant (Variation ID: 450581). This sequence change replaces aspartic acid, which is acidic and polar, with glutamic acid, which is acidic and polar, at codon 199 of the NRL protein (p.Asp199Glu). This variant is not present in population databases (gnomAD no frequency). This missense change has been observed in individual(s) with retinitis pigmentosa (Invitae). An algorithm developed to predict the effect of missense changes on protein structure and function (PolyPhen-2) suggests that this variant is likely to be tolerated. In summary, the available evidence is currently insufficient to determine the role of this variant in disease. Therefore, it has been classified as a Variant of Uncertain Significance.

Blueprint Genetics
Classification: Uncertain significance. Last evaluated: 2019-05-24. Review status: criteria provided, single submitter. Criteria: ACMG Guidelines, 2015. Collection method: clinical testing. Allele origin: germline.

GeneDx
Classification: Uncertain significance. Last evaluated: 2017-07-25. Review status: criteria provided, single submitter. Criteria: GeneDx Variant Classification (06012015). Collection method: clinical testing. Allele origin: germline. Affected: yes.
Comment: The D199E variant in the NRL gene has not been reported previously as a pathogenic variant, nor as a benign variant, to our knowledge. The D199E variant is not observed in large population cohorts (Lek et al., 2016; 1000 Genomes Consortium et al., 2015; Exome Variant Server). The D199E variant is a conservative amino acid substitution, which is not likely to impact secondary protein structure as these residues share similar properties. This substitution occurs at a position that is conserved in mammals. In silico analysis is inconsistent in its predictions as to whether or not the variant is damaging to the protein structure/function. We interpret D199E as a variant of uncertain significance.

NM_001354768.3(NRL):c.597C>G (p.Asp199Glu)

Genes: NRL (neural retina leucine zipper; minus strand), LOC130055387 (ATAC-STARR-seq lymphoblastoid silent region 5620; plus strand). Cytogenetic location: 14q11.2.
Variant type: single nucleotide variant.
Coding change: c.597C>G on transcript NM_001354768.3 (MANE Select); coding-DNA position 597, C replaced by G.
Protein change: p.Asp199Glu; replaces aspartic acid 199 with glutamic acid.
Molecular consequence: missense variant.
Genome position (GRCh38, 1-based): chr14:24,081,353, G>C on the plus strand (C>G on the coding strand, the complement: NRL is on the minus strand). VCF-style: chr14-24081353-G-C. GRCh37 (hg19) VCF-style: chr14-24550562-G-C.
Other names: c.597C>G, p.Asp199Glu (NM_001354769.1, NM_006177.5); c.282C>G, p.Asp94Glu (NM_001354770.2); short protein forms D199E, D94E.
Identifiers: ClinVar variation 450581 (VCV000450581.14), dbSNP rs913468654, ClinGen allele CA257868066.